The following is an entry in ClinVar:

ClinVar aggregate classification (germline): Pathogenic (1 of 4 stars; one submission).

Submission:

Labcorp Genetics (formerly Invitae), Labcorp
Classification: Pathogenic. Last evaluated: 2022-12-03. Review status: criteria provided, single submitter. Criteria: Invitae Variant Classification Sherloc (09022015). Collection method: clinical testing. Allele origin: germline.
Comment: This sequence change affects a splice site in intron 4 of the PHEX gene. It is expected to disrupt RNA splicing. Variants that disrupt the donor or acceptor splice site typically lead to a loss of protein function (PMID: 16199547), and loss-of-function variants in PHEX are known to be pathogenic (PMID: 9097956, 9106524, 19219621). This variant is not present in population databases (gnomAD no frequency). Disruption of this splice site has been observed in individual(s) with hypophosphatemic rickets (Invitae). Algorithms developed to predict the effect of sequence changes on RNA splicing suggest that this variant may disrupt the consensus splice site. For these reasons, this variant has been classified as Pathogenic.

Literature cited by the submitters: PubMed 16199547; PubMed 9097956; PubMed 9106524; PubMed 19219621.

NM_000444.6(PHEX):c.436+2_436+3del

Gene: PHEX (phosphate regulating endopeptidase X-linked; plus strand). Cytogenetic location: Xp22.11.
Variant type: Deletion.
Coding change: c.436+2_436+3del on transcript NM_000444.6 (MANE Select); the canonical splice donor site of the intron after coding-DNA position 436 through 3 bases into the intron after coding-DNA position 436, 2 bases deleted (TG; older notation c.436+2_436+3delTG).
Molecular consequence: splice donor variant.
Genome position (GRCh38, 1-based): chrX:22,076,476-22,076,477, TG deleted; deleting any 2 consecutive bases within chrX:22,076,475-22,076,477 gives the same sequence; the c. name uses the placement nearest the transcript's 3' end. VCF-style (leftmost placement, unchanged base first): chrX-22076474-AGT-A. GRCh37 (hg19) VCF-style: chrX-22094592-AGT-A.
Other names: c.436+2_436+3del (NM_001282754.2).
Identifiers: ClinVar variation 2818118 (VCV002818118.3), dbSNP rs2519752853, ClinGen allele CA2739268112.